The following is an entry in ClinVar:

NM_001005242.3(PKP2):c.2455A>C (p.Lys819Gln)

Gene: PKP2 (plakophilin 2; minus strand). Cytogenetic location: 12p11.21.
Variant type: single nucleotide variant.
Coding change: c.2455A>C on transcript NM_001005242.3 (MANE Select); coding-DNA position 2455, A replaced by C.
Protein change: p.Lys819Gln; replaces lysine 819 with glutamine.
Molecular consequence: missense variant.
Genome position (GRCh38, 1-based): chr12:32,792,483, T>G on the plus strand (A>C on the coding strand, the complement: PKP2 is on the minus strand). VCF-style: chr12-32792483-T-G. GRCh37 (hg19) VCF-style: chr12-32945417-T-G.
Other names: c.2587A>C, p.Lys863Gln (NM_004572.4); short protein forms K863Q, K819Q.
Identifiers: ClinVar variation 642742 (VCV000642742.7), dbSNP rs1235732912, ClinGen allele CA384356795.

ClinVar aggregate classification (germline): Uncertain significance. Review status: criteria provided, multiple submitters, no conflicts (2 of 4 stars). 3 submissions from 3 submitters: Uncertain significance (3). Last evaluated 2025-08-14.

Conditions:
Cardiomyopathy (CMYO). Also called: Cardiomyopathies. Identifiers: Orphanet 167848, MedGen C0878544, MONDO:0004994, HP:0001638. Inheritance: Various modes of inheritance.
Arrhythmogenic right ventricular dysplasia 9 (ARVD9). Also called: Arrhythmogenic Right Ventricular Dysplasia/Cardiomyopathy 9; ARRHYTHMOGENIC RIGHT VENTRICULAR DYSPLASIA, FAMILIAL, 9. Identifiers: MedGen C1836906, MONDO:0012180, OMIM 609040.
Arrhythmogenic right ventricular cardiomyopathy (ARVD). Also called: Arrhythmogenic cardiomyopathy; Cardiomyopathy, ARVC; Arrhythmogenic right ventricular dysplasia; Arrhythmogenic Right Ventricular Cardiomyopathy (ARVC). Identifiers: Orphanet 247, MedGen C0349788, MeSH D019571, MONDO:0016587. Disease mechanism: loss of function. Inheritance: Various modes of inheritance.

Allele frequency attached by ClinVar (database versions not stated): gnomAD exomes below 0.00001.
gnomAD v4.1: 2 of 1,613,620 alleles (0.00012%); highest among the groups gnomAD compares: Non-Finnish European, 0.00017%; no homozygotes.

Submissions (3):

Labcorp Genetics (formerly Invitae), Labcorp
Classification: Uncertain significance for Arrhythmogenic right ventricular dysplasia 9. Last evaluated: 2025-08-14. Review status: criteria provided, single submitter. Criteria: Invitae Variant Classification Sherloc (09022015). Collection method: clinical testing. Allele origin: germline.
Comment: This sequence change replaces lysine, which is basic and polar, with glutamine, which is neutral and polar, at codon 863 of the PKP2 protein (p.Lys863Gln). This variant is not present in population databases (gnomAD no frequency). This variant has not been reported in the literature in individuals affected with PKP2-related conditions. ClinVar contains an entry for this variant (Variation ID: 642742). An algorithm developed to predict the effect of missense changes on protein structure and function (PolyPhen-2) suggests that this variant is likely to be disruptive. In summary, the available evidence is currently insufficient to determine the role of this variant in disease. Therefore, it has been classified as a Variant of Uncertain Significance.

Color Diagnostics, LLC DBA Color Health
Classification: Uncertain significance for Cardiomyopathy. Last evaluated: 2025-06-30. Review status: criteria provided, single submitter. Criteria: ACMG Guidelines, 2015. Collection method: clinical testing. Allele origin: germline.
Comment: This missense variant replaces lysine with glutamine at codon 863 of the PKP2 protein. Computational prediction suggests that this variant may not impact protein structure and function. To our knowledge, functional studies have not been reported for this variant. This variant has not been reported in individuals affected with PKP2-related disorders in the literature. This variant has not been identified in the general population by the Genome Aggregation Database (gnomAD). The available evidence is insufficient to determine the role of this variant in disease conclusively. Therefore, this variant is classified as a Variant of Uncertain Significance.

All of Us Research Program, National Institutes of Health
Classification: Uncertain significance for Arrhythmogenic right ventricular cardiomyopathy. Last evaluated: 2024-08-06. Review status: criteria provided, single submitter. Criteria: ACMG Guidelines, 2015. Collection method: clinical testing. Allele origin: germline. Inheritance: Autosomal dominant inheritance. Observed: 1 variant allele, 1 heterozygote.
Comment: This study involves interpretation of variants in research participants for the purpose of population health screening. Participant phenotype was not available at the time of variant classification. Additional details can be found in publication PMID: 35346344, PMCID: PMC8962531